The following is an entry in ClinVar:

ClinVar aggregate classification (germline): Uncertain significance. Review status: criteria provided, multiple submitters, no conflicts (2 of 4 stars). 2 submissions from 2 submitters: Uncertain significance (2). Last evaluated 2025-05-25.

Conditions:
Inborn genetic diseases. Identifiers: MedGen C0950123, MeSH D030342.

Allele frequency attached by ClinVar (database versions not stated): ExAC 0.00003; gnomAD 0.00003; gnomAD exomes 0.00004; TOPMed 0.00004; ESP Exome Variant Server 0.00008.
gnomAD v4.1: 64 of 1,613,986 alleles (0.004%); highest among the groups gnomAD compares: Non-Finnish European, 0.0052%; no homozygotes.

Submissions (2):

Ambry Genetics
Classification: Uncertain significance for Inborn genetic diseases. Last evaluated: 2025-05-25. Review status: criteria provided, single submitter. Criteria: Ambry Variant Classification Scheme 2023. Collection method: clinical testing. Allele origin: germline.

Labcorp Genetics (formerly Invitae), Labcorp
Classification: Uncertain significance. Last evaluated: 2022-07-29. Review status: criteria provided, single submitter. Criteria: Invitae Variant Classification Sherloc (09022015). Collection method: clinical testing. Allele origin: germline.
Comment: This sequence change replaces threonine, which is neutral and polar, with serine, which is neutral and polar, at codon 119 of the STN1 protein (p.Thr119Ser). This variant is present in population databases (rs377217467, gnomAD 0.007%). This variant has not been reported in the literature in individuals affected with STN1-related conditions. Algorithms developed to predict the effect of missense changes on protein structure and function (SIFT, PolyPhen-2, Align-GVGD) all suggest that this variant is likely to be tolerated. In summary, the available evidence is currently insufficient to determine the role of this variant in disease. Therefore, it has been classified as a Variant of Uncertain Significance.

NM_024928.5(STN1):c.356C>G (p.Thr119Ser)

Gene: STN1 (STN1 subunit of CST complex; minus strand). Cytogenetic location: 10q24.33.
Variant type: single nucleotide variant.
Coding change: c.356C>G on transcript NM_024928.5 (MANE Select); coding-DNA position 356, C replaced by G.
Protein change: p.Thr119Ser; replaces threonine 119 with serine.
Molecular consequence: missense variant.
Genome position (GRCh38, 1-based): chr10:103,900,163, G>C on the plus strand (C>G on the coding strand, the complement: STN1 is on the minus strand). VCF-style: chr10-103900163-G-C. GRCh37 (hg19) VCF-style: chr10-105659921-G-C.
Other names: c.356C>G (NM_024928.4); short protein forms T119S.
Identifiers: ClinVar variation 2420811 (VCV002420811.5), dbSNP rs377217467, ClinGen allele CA5676640.